The following is an entry in ClinVar:

NM_000312.4(PROC):c.319G>A (p.Gly107Arg)

Gene: PROC (protein C, inactivator of coagulation factors Va and VIIIa; plus strand). Cytogenetic location: 2q14.3.
Variant type: single nucleotide variant.
Coding change: c.319G>A on transcript NM_000312.4 (MANE Select); coding-DNA position 319, G replaced by A.
Protein change: p.Gly107Arg; replaces glycine 107 with arginine.
Molecular consequence: missense variant. On other transcripts: synonymous variant (1).
Genome position (GRCh38, 1-based): chr2:127,423,090, G>A. VCF-style: chr2-127423090-G-A. GRCh37 (hg19) VCF-style: chr2-128180666-G-A.
Other names: c.502G>A, p.Gly168Arg (NM_001375602.1); c.382G>A, p.Gly128Arg (NM_001375603.1, NM_001375604.1); c.319G>A, p.Gly107Arg (NM_001375605.1, NM_001375608.1, NM_001375611.1 and 1 more transcripts); c.474G>A, p.Ala158= (NM_001375606.1); c.403G>A, p.Gly135Arg (NM_001375607.1); c.295G>A, p.Gly99Arg (NM_001375609.1); c.313G>A, p.Gly105Arg (NM_001375610.1); short protein forms G135R, G168R, G107R, G128R, G99R, G105R.
Identifiers: ClinVar variation 2734265 (VCV002734265.3), dbSNP rs1252000412, ClinGen allele CA348399026.

ClinVar aggregate classification (germline): Uncertain significance (1 of 4 stars; one submission).

Conditions:
Thrombophilia due to protein C deficiency, autosomal dominant. Also called: PROC DEFICIENCY, AUTOSOMAL DOMINANT; PROTEIN C DEFICIENCY, AUTOSOMAL DOMINANT. Identifiers: Orphanet 745, MedGen C2674321, MONDO:0008316, OMIM 176860. Disease mechanism: loss of function.

Allele frequency attached by ClinVar (database versions not stated): gnomAD exomes below 0.00001.
gnomAD v4.1: 3 of 1,611,524 alleles (0.00019%); highest among the groups gnomAD compares: Non-Finnish European, 0.00025%; no homozygotes.

Submission:

Labcorp Genetics (formerly Invitae), Labcorp
Classification: Uncertain significance for Thrombophilia due to protein C deficiency, autosomal dominant. Last evaluated: 2025-09-01. Review status: criteria provided, single submitter. Criteria: Invitae Variant Classification Sherloc (09022015). Collection method: clinical testing. Allele origin: germline.
Comment: This sequence change replaces glycine, which is neutral and non-polar, with arginine, which is basic and polar, at codon 107 of the PROC protein (p.Gly107Arg). This variant is present in population databases (no rsID available, gnomAD 0.001%). This missense change has been observed in individual(s) with protein C deficiency (PMID: 22627591, 31254973). ClinVar contains an entry for this variant (Variation ID: 2734265). Invitae Evidence Modeling of protein sequence and biophysical properties (such as structural, functional, and spatial information, amino acid conservation, physicochemical variation, residue mobility, and thermodynamic stability) indicates that this missense variant is not expected to disrupt PROC protein function with a negative predictive value of 80%. In summary, the available evidence is currently insufficient to determine the role of this variant in disease. Therefore, it has been classified as a Variant of Uncertain Significance.

Literature cited by the submitters: PubMed 22627591; PubMed 31254973.